The following is an entry in ClinVar:

ClinVar aggregate classification (germline): Likely benign. Review status: criteria provided, multiple submitters, no conflicts (2 of 4 stars). 3 submissions from 3 submitters: Likely benign (2). 1 of the submissions does not count toward it. Last evaluated 2024-11-08.

Conditions:
MACF1-related disorder. Also called: MACF1-related condition.

Allele frequency attached by ClinVar (database versions not stated): ExAC 0.00006; gnomAD exomes 0.00006; TOPMed 0.00006; gnomAD 0.00007.
gnomAD v4.1: 95 of 1,614,154 alleles (0.0059%); highest among the groups gnomAD compares: East Asian, 0.14%; no homozygotes.

Submissions (3):

Blueprint Genetics
Classification: Likely benign. Last evaluated: 2024-11-08. Review status: criteria provided, single submitter. Criteria: ACMG Guidelines, 2015. Collection method: clinical testing. Allele origin: germline.

Labcorp Genetics (formerly Invitae), Labcorp
Classification: Likely benign. Last evaluated: 2023-07-17. Review status: criteria provided, single submitter. Criteria: Invitae Variant Classification Sherloc (09022015). Collection method: clinical testing. Allele origin: germline.

PreventionGenetics, part of Exact Sciences
Classification: Likely benign for MACF1-related condition. Last evaluated: 2019-09-20. Review status: no assertion criteria provided. Collection method: clinical testing. Allele origin: germline. Not counted in ClinVar's aggregate classification.
Comment: This variant is classified as likely benign based on ACMG/AMP sequence variant interpretation guidelines (Richards et al. 2015 PMID: 25741868, with internal and published modifications).

NM_001394062.1(MACF1):c.1143A>G (p.Glu381=)

Gene: MACF1 (microtubule actin crosslinking factor 1; plus strand). Cytogenetic location: 1p34.3.
Variant type: single nucleotide variant.
Coding change: c.1143A>G on transcript NM_001394062.1 (MANE Select); coding-DNA position 1143, A replaced by G.
Protein change: p.Glu381=; no amino-acid change (glutamic acid 381 retained).
Molecular consequence: synonymous variant.
Genome position (GRCh38, 1-based): chr1:39,285,094, A>G. VCF-style: chr1-39285094-A-G. GRCh37 (hg19) VCF-style: chr1-39750766-A-G.
Other names: c.1158A>G, p.Glu386= (NM_012090.5).
Identifiers: ClinVar variation 2180221 (VCV002180221.7), dbSNP rs566899522, ClinGen allele CA779369.